The following is an entry in ClinVar:

NM_001042492.3(NF1):c.1307_1316del (p.Ser436fs)

Gene: NF1 (neurofibromin 1; plus strand). Cytogenetic location: 17q11.2.
Variant type: Deletion.
Coding change: c.1307_1316del on transcript NM_001042492.3 (MANE Select); coding-DNA positions 1307 to 1316, 10 bases deleted (CGGTTGAACT; older notation c.1307_1316delCGGTTGAACT).
Protein change: p.Ser436fs; shifts the reading frame from serine 436.
Molecular consequence: frameshift variant.
Genome position (GRCh38, 1-based): chr17:31,206,286-31,206,295, CGGTTGAACT deleted; deleting any 10 consecutive bases within chr17:31,206,283-31,206,295 gives the same sequence; the c. name uses the placement nearest the transcript's 3' end. VCF-style (leftmost placement, unchanged base first): chr17-31206282-CACTCGGTTGA-C. GRCh37 (hg19) VCF-style: chr17-29533300-CACTCGGTTGA-C.
Other names: c.1307_1316del10 (NM_000267.3); c.1307_1316delCGGTTGAACT, p.Ser436Phefs (NM_000267.4); c.1307_1316del, p.Ser436fs (NM_001128147.3); short protein forms S436fs.
Identifiers: ClinVar variation 818872 (VCV000818872.4), dbSNP rs1597688786, ClinGen allele CA915949688.

ClinVar aggregate classification (germline): Pathogenic (1 of 4 stars; one submission).

Conditions:
Cardiovascular phenotype. Identifiers: MedGen CN230736.
Hereditary cancer-predisposing syndrome. Also called: Tumor predisposition; Hereditary neoplastic syndrome; Neoplastic Syndromes, Hereditary; Hereditary Cancer Syndrome. Identifiers: Orphanet 140162, MedGen C0027672, MeSH D009386, MONDO:0015356.

Submission:

Ambry Genetics
Classification: Pathogenic for Cardiovascular phenotype; Hereditary cancer-predisposing syndrome. Last evaluated: 2019-05-30. Review status: criteria provided, single submitter. Criteria: Ambry Variant Classification Scheme 2023. Collection method: clinical testing. Allele origin: germline.
Comment: The c.1307_1316del10 pathogenic mutation, located in coding exon 12 of the NF1 gene, results from a deletion of 10 nucleotides at nucleotide positions 1307 to 1316, causing a translational frameshift with a predicted alternate stop codon (p.S436Ffs*34). This alteration is expected to result in loss of function by premature protein truncation or nonsense-mediated mRNA decay. As such, this alteration is interpreted as a disease-causing mutation.